The following is an entry in ClinVar:

ClinVar aggregate classification (germline): Uncertain significance (1 of 4 stars; one submission).

gnomAD v4.1: 1 of 1,614,012 alleles (0.000062%); highest among the groups gnomAD compares: Non-Finnish European, 0.000085%; no homozygotes.

Submission:

Women's Health and Genetics/Laboratory Corporation of America, LabCorp
Classification: Uncertain significance. Last evaluated: 2025-10-03. Review status: criteria provided, single submitter. Criteria: LabCorp Variant Classification Summary - May 2015. Collection method: clinical testing. Allele origin: germline.
Comment: Variant summary: SLC6A2 c.688A>G (p.Ile230Val) results in a conservative amino acid change in the encoded protein sequence. Algorithms developed to predict the effect of missense changes on protein structure and function are either unavailable or do not agree on the potential impact of this missense change. The variant was absent in 251382 control chromosomes. The available data on variant occurrences in the general population are insufficient to allow any conclusion about variant significance. To our knowledge, no occurrence of c.688A>G in individuals affected with SLC6A2-related conditions and no experimental evidence demonstrating its impact on protein function have been reported. No submitters have cited clinical-significance assessments for this variant to ClinVar. Based on the evidence outlined above, the variant was classified as uncertain significance.

NM_001172501.3(SLC6A2):c.688A>G (p.Ile230Val)

Gene: SLC6A2 (solute carrier family 6 member 2; plus strand). Cytogenetic location: 16q12.2.
Variant type: single nucleotide variant.
Coding change: c.688A>G on transcript NM_001172501.3 (MANE Select); coding-DNA position 688, A replaced by G.
Protein change: p.Ile230Val; replaces isoleucine 230 with valine.
Molecular consequence: missense variant.
Genome position (GRCh38, 1-based): chr16:55,685,186, A>G. VCF-style: chr16-55685186-A-G. GRCh37 (hg19) VCF-style: chr16-55719098-A-G.
Other names: c.688A>G, p.Ile230Val (NM_001043.3, NM_001172504.1); c.373A>G, p.Ile125Val (NM_001172502.1); short protein forms I125V, I230V.
Identifiers: ClinVar variation 4687605 (VCV004687605.1).